The following is an entry in ClinVar:

NM_018847.4(KLHL9):c.765G>C (p.Gln255His)

Gene: KLHL9 (kelch like family member 9; minus strand). Cytogenetic location: 9p21.3.
Variant type: single nucleotide variant.
Coding change: c.765G>C on transcript NM_018847.4 (MANE Select); coding-DNA position 765, G replaced by C.
Protein change: p.Gln255His; replaces glutamine 255 with histidine.
Molecular consequence: missense variant.
Genome position (GRCh38, 1-based): chr9:21,334,095, C>G on the plus strand (G>C on the coding strand, the complement: KLHL9 is on the minus strand). VCF-style: chr9-21334095-C-G. GRCh37 (hg19) VCF-style: chr9-21334094-C-G.
Other names: c.765G>C (NM_018847.2); short protein forms Q255H.
Identifiers: ClinVar variation 2116120 (VCV002116120.5), dbSNP rs2537381477, ClinGen allele CA373071323.

ClinVar aggregate classification (germline): Uncertain significance. Review status: criteria provided, multiple submitters, no conflicts (2 of 4 stars). 2 submissions from 2 submitters: Uncertain significance (2). Last evaluated 2025-11-26.

Submissions (2):

Ambry Genetics
Classification: Uncertain significance. Last evaluated: 2025-11-26. Review status: criteria provided, single submitter. Criteria: Ambry Variant Classification Scheme 2023. Collection method: clinical testing. Allele origin: germline.

Labcorp Genetics (formerly Invitae), Labcorp
Classification: Uncertain significance. Last evaluated: 2022-07-11. Review status: criteria provided, single submitter. Criteria: Invitae Variant Classification Sherloc (09022015). Collection method: clinical testing. Allele origin: germline.
Comment: In summary, the available evidence is currently insufficient to determine the role of this variant in disease. Therefore, it has been classified as a Variant of Uncertain Significance. Algorithms developed to predict the effect of missense changes on protein structure and function are either unavailable or do not agree on the potential impact of this missense change (SIFT: "Not Available"; PolyPhen-2: "Probably Damaging"; Align-GVGD: "Not Available"). This variant has not been reported in the literature in individuals affected with KLHL9-related conditions. This variant is not present in population databases (gnomAD no frequency). This sequence change replaces glutamine, which is neutral and polar, with histidine, which is basic and polar, at codon 255 of the KLHL9 protein (p.Gln255His).